The following is an entry in ClinVar:

ClinVar aggregate classification (germline): Uncertain significance. Review status: criteria provided, multiple submitters, no conflicts (2 of 4 stars). 3 submissions from 3 submitters: Uncertain significance (3). Last evaluated 2025-11-11.

Conditions:
Spastic paraplegia 82, autosomal recessive (SPG82). Identifiers: Orphanet 631073, MedGen C5394037, MONDO:0032906, OMIM 618770.
Inborn genetic diseases. Identifiers: MedGen C0950123, MeSH D030342.

Allele frequency attached by ClinVar (database versions not stated): 1000 Genomes Project 0.00040; 1000 Genomes Project 30x 0.00031.
gnomAD v4.1: 72 of 1,613,098 alleles (0.0045%); highest among the groups gnomAD compares: South Asian, 0.074%; 1 homozygote.

Submissions (3):

GeneDx
Classification: Uncertain significance. Last evaluated: 2025-11-11. Review status: criteria provided, single submitter. Criteria: GeneDx Variant Classification Process June 2021. Collection method: clinical testing. Allele origin: germline. Affected: yes.
Comment: In silico analysis suggests that this missense variant does not alter protein structure/function; Has not been previously published as pathogenic or benign to our knowledge

Diagnostics Services (NGS), CSIR - Centre For Cellular And Molecular Biology
Classification: Uncertain significance for Spastic paraplegia 82, autosomal recessive. Last evaluated: 2021-10-18. Review status: criteria provided, single submitter. Criteria: ACMG Guidelines, 2015. Collection method: clinical testing. Allele origin: unknown. Inheritance: Autosomal recessive inheritance. Affected: yes. Observed: 1 variant allele, 1 homozygote.
Comment: The c.555C>A variant is present in publicly available population databases like Exome Variant Server (EVS). The heterozygous state of the variant is present in 1000 Genomes, Exome Aggregation Consortium (ExAC), Genome Aggregation Database (gnomAD) and dbSNP at very low frequency. The variant is not present in Indian Exome Database and in our in-house exome database. The variant was not earlier reported to ClinVar, Human Genome Mutation Database (HGMD) and OMIM databases in any affected individuals. Predictions from different in-silico pathogenicity prediction programs like SIFT, Polyphen-2, MutationTaster2, CADD etc. are contradictory, however these predictions have not been confirmed by published functional studies.

Ambry Genetics
Classification: Uncertain significance for Inborn genetic diseases. Last evaluated: 2021-08-10. Review status: criteria provided, single submitter. Criteria: Ambry Variant Classification Scheme 2023. Collection method: clinical testing. Allele origin: germline.

NM_002861.5(PCYT2):c.555C>A (p.Asn185Lys)

Gene: PCYT2 (phosphate cytidylyltransferase 2, ethanolamine; minus strand). Cytogenetic location: 17q25.3.
Variant type: single nucleotide variant.
Coding change: c.555C>A on transcript NM_002861.5 (MANE Select); coding-DNA position 555, C replaced by A.
Protein change: p.Asn185Lys; replaces asparagine 185 with lysine.
Molecular consequence: missense variant.
Genome position (GRCh38, 1-based): chr17:81,906,881, G>T on the plus strand (C>A on the coding strand, the complement: PCYT2 is on the minus strand). VCF-style: chr17-81906881-G-T. GRCh37 (hg19) VCF-style: chr17-79864757-G-T.
Other names: c.609C>A (NM_001184917.1); c.459C>A, p.Asn153Lys (NM_001282204.2); c.555C>A, p.Asn185Lys (NM_001330518.2); c.321C>A (NM_001256435.2); c.609C>A, p.Asn203Lys (NM_001184917.3); c.393C>A, p.Asn131Lys (NM_001256433.3); c.432C>A, p.Asn144Lys (NM_001256434.3); c.321C>A, p.Asn107Lys (NM_001256435.3, NM_001282203.2); short protein forms N107K, N131K, N144K, N153K, N185K, N203K.
Identifiers: ClinVar variation 1329485 (VCV001329485.10), dbSNP rs569322551, ClinGen allele CA8844302.